The following is an entry in ClinVar:

NM_001792.5(CDH2):c.179T>G (p.Phe60Cys)

Gene: CDH2 (cadherin 2; minus strand). Cytogenetic location: 18q12.1.
Variant type: single nucleotide variant.
Coding change: c.179T>G on transcript NM_001792.5 (MANE Select); coding-DNA position 179, T replaced by G.
Protein change: p.Phe60Cys; replaces phenylalanine 60 with cysteine.
Molecular consequence: missense variant.
Genome position (GRCh38, 1-based): chr18:28,013,903, A>C on the plus strand (T>G on the coding strand, the complement: CDH2 is on the minus strand). VCF-style: chr18-28013903-A-C. GRCh37 (hg19) VCF-style: chr18-25593867-A-C.
Other names: c.86T>G, p.Phe29Cys (NM_001308176.2); short protein forms F60C, F29C.
Identifiers: ClinVar variation 4722614 (VCV004722614.1).

ClinVar aggregate classification (germline): Uncertain significance (1 of 4 stars; one submission).

Submission:

Labcorp Genetics (formerly Invitae), Labcorp
Classification: Uncertain significance. Last evaluated: 2025-07-03. Review status: criteria provided, single submitter. Criteria: Invitae Variant Classification Sherloc (09022015). Collection method: clinical testing. Allele origin: germline.
Comment: This sequence change replaces phenylalanine, which is neutral and non-polar, with cysteine, which is neutral and slightly polar, at codon 60 of the CDH2 protein (p.Phe60Cys). This variant is not present in population databases (gnomAD no frequency). This variant has not been reported in the literature in individuals affected with CDH2-related conditions. An algorithm developed to predict the effect of missense changes on protein structure and function (PolyPhen-2) suggests that this variant is likely to be disruptive. In summary, the available evidence is currently insufficient to determine the role of this variant in disease. Therefore, it has been classified as a Variant of Uncertain Significance.